The following is an entry in ClinVar:

NM_022124.6(CDH23):c.8012G>A (p.Gly2671Asp)

Genes: CDH23 (cadherin related 23; plus strand), LOC111982869 (Sharpr-MPRA regulatory region 2121; plus strand). Cytogenetic location: 10q22.1.
Variant type: single nucleotide variant.
Coding change: c.8012G>A on transcript NM_022124.6 (MANE Select); coding-DNA position 8012, G replaced by A.
Protein change: p.Gly2671Asp; replaces glycine 2671 with aspartic acid.
Molecular consequence: missense variant.
Genome position (GRCh38, 1-based): chr10:71,805,945, G>A. VCF-style: chr10-71805945-G-A. GRCh37 (hg19) VCF-style: chr10-73565702-G-A.
Other names: c.1292G>A, p.Gly431Asp (NM_001171933.1, NM_001171934.1); short protein forms G2671D, G431D.
Identifiers: ClinVar variation 1185119 (VCV001185119.2), dbSNP rs779222449, ClinGen allele CA5546507.

ClinVar aggregate classification (germline): Likely pathogenic. Review status: criteria provided, single submitter (1 of 4 stars). 2 submissions from 2 submitters: Likely pathogenic (1). 1 of the submissions does not count toward it. Last evaluated 2025-01-09.

Conditions:
Autosomal recessive nonsyndromic hearing loss 12. Also called: DEAFNESS, AUTOSOMAL RECESSIVE 12. Identifiers: Orphanet 90636, MedGen C1832394, MONDO:0011067, OMIM 601386.

Allele frequency attached by ClinVar (database versions not stated): gnomAD 0.00001; gnomAD exomes 0.00001 and 0.00002; ExAC 0.00002.
gnomAD v4.1: 5 of 1,611,614 alleles (0.00031%); highest among the groups gnomAD compares: Non-Finnish European, 0.00042%; no homozygotes.

Submissions (2):

Institute of Rare Diseases, West China Hospital, Sichuan University
Classification: Likely pathogenic for Autosomal recessive nonsyndromic hearing loss 12. Last evaluated: 2025-01-09. Review status: criteria provided, single submitter. Criteria: ClinGen HL ACMG Specifications v1. Collection method: research. Allele origin: germline. Affected: yes.
Comment: PM3_Strong;PM2_Supporting;PP3

WangQJ Lab, Chinese People's Liberation Army General Hospital
Classification: Uncertain significance for Autosomal recessive nonsyndromic hearing loss 12. Last evaluated: 2021-07-01. Review status: no assertion criteria provided. Collection method: clinical testing. Allele origin: maternal. Affected: yes. Not counted in ClinVar's aggregate classification.